The following is an entry in ClinVar:

ClinVar aggregate classification (germline): Uncertain significance (1 of 4 stars; one submission).

Conditions:
Charcot-Marie-Tooth disease, demyelinating, IIA 1I. Also called: CHARCOT-MARIE-TOOTH NEUROPATHY, TYPE 1I; Charcot-Marie-Tooth disease, demyelinating, type 1I. Identifiers: MedGen C5676914, MONDO:0030677, OMIM 619742.

Submission:

Dasa
Classification: Uncertain significance for Charcot-Marie-Tooth disease, demyelinating, IIA 1I. Last evaluated: 2025-08-21. Review status: criteria provided, single submitter. Criteria: DASA Assertion Criteria. Collection method: clinical testing. Allele origin: germline.
Comment: NM_018082.6(POLR3B):c.1399G>C (p.Gly467Arg) is a missense variant that results in the substitution of glycine with arginine. This variant is absent from population databases. Computational prediction algorithms are consistent with a deleterious effect. The currently available literature and clinical evidence are not sufficient to establish a definitive association between this variant and the reported condition. Therefore, this variant is classified as a variant of uncertain significance.

NM_018082.6(POLR3B):c.1399G>C (p.Gly467Arg)

Gene: POLR3B (RNA polymerase III subunit B; plus strand). Cytogenetic location: 12q23.3.
Variant type: single nucleotide variant.
Coding change: c.1399G>C on transcript NM_018082.6 (MANE Select); coding-DNA position 1399, G replaced by C.
Protein change: p.Gly467Arg; replaces glycine 467 with arginine.
Molecular consequence: missense variant.
Genome position (GRCh38, 1-based): chr12:106,430,408, G>C. VCF-style: chr12-106430408-G-C. GRCh37 (hg19) VCF-style: chr12-106824186-G-C.
Other names: c.1225G>C, p.Gly409Arg (NM_001160708.2); short protein forms G409R, G467R.
Identifiers: ClinVar variation 4882817 (VCV004882817.2).
Genomic context (GRCh38, chr12:106,430,408, plus strand): 5'-TCCGCACTGGGCATGATGACAAGAATCTCTTCCCAGTTTGAAAAAACGAGAAAAGTGAGT[G>C]GTCCTCGCTCCCTCCAGCCATCTCAGTGGGGAATGCTGTGTCCTTCGGACACTCCTGAAG-3'
Protein context (NP_060552.4, residues 457-477): SQFEKTRKVS[Gly467Arg]PRSLQPSQWG